The following is an entry in ClinVar:

NM_001845.6(COL4A1):c.4906A>G (p.Ile1636Val)

Gene: COL4A1 (collagen type IV alpha 1 chain; minus strand). Cytogenetic location: 13q34.
Variant type: single nucleotide variant.
Coding change: c.4906A>G on transcript NM_001845.6 (MANE Select); coding-DNA position 4906, A replaced by G.
Protein change: p.Ile1636Val; replaces isoleucine 1636 with valine.
Molecular consequence: missense variant.
Genome position (GRCh38, 1-based): chr13:110,152,356, T>C on the plus strand (A>G on the coding strand, the complement: COL4A1 is on the minus strand). VCF-style: chr13-110152356-T-C. GRCh37 (hg19) VCF-style: chr13-110804703-T-C.
Other names: short protein forms I1636V.
Identifiers: ClinVar variation 2134868 (VCV002134868.4), dbSNP rs1450007239, ClinGen allele CA388654096.

ClinVar aggregate classification (germline): Uncertain significance (1 of 4 stars; one submission).

Allele frequency attached by ClinVar (database versions not stated): TOPMed below 0.00001.

Submission:

Labcorp Genetics (formerly Invitae), Labcorp
Classification: Uncertain significance. Last evaluated: 2022-05-09. Review status: criteria provided, single submitter. Criteria: Invitae Variant Classification Sherloc (09022015). Collection method: clinical testing. Allele origin: germline.
Comment: This variant is not present in population databases (gnomAD no frequency). In summary, the available evidence is currently insufficient to determine the role of this variant in disease. Therefore, it has been classified as a Variant of Uncertain Significance. Advanced modeling of protein sequence and biophysical properties (such as structural, functional, and spatial information, amino acid conservation, physicochemical variation, residue mobility, and thermodynamic stability) performed at Invitae indicates that this missense variant is not expected to disrupt COL4A1 protein function. This variant has not been reported in the literature in individuals affected with COL4A1-related conditions. This sequence change replaces isoleucine, which is neutral and non-polar, with valine, which is neutral and non-polar, at codon 1636 of the COL4A1 protein (p.Ile1636Val).